The following is an entry in ClinVar:

ClinVar aggregate classification (germline): Uncertain significance (1 of 4 stars; one submission).

Allele frequency attached by ClinVar (database versions not stated): ExAC 0.00001; gnomAD exomes 0.00001.
gnomAD v4.1: 8 of 1,613,502 alleles (0.0005%); highest among the groups gnomAD compares: Admixed American, 0.0033%; no homozygotes.

Submission:

Labcorp Genetics (formerly Invitae), Labcorp
Classification: Uncertain significance. Last evaluated: 2025-01-21. Review status: criteria provided, single submitter. Criteria: Invitae Variant Classification Sherloc (09022015). Collection method: clinical testing. Allele origin: germline.
Comment: This sequence change replaces histidine, which is basic and polar, with tyrosine, which is neutral and polar, at codon 373 of the CFH protein (p.His373Tyr). This variant is present in population databases (rs754477357, gnomAD 0.006%). This variant has not been reported in the literature in individuals affected with CFH-related conditions. ClinVar contains an entry for this variant (Variation ID: 1969662). An algorithm developed to predict the effect of missense changes on protein structure and function outputs the following: PolyPhen-2: "Benign". The tyrosine amino acid residue is found in multiple mammalian species, which suggests that this missense change does not adversely affect protein function. In summary, the available evidence is currently insufficient to determine the role of this variant in disease. Therefore, it has been classified as a Variant of Uncertain Significance.

NM_000186.4(CFH):c.1117C>T (p.His373Tyr)

Gene: CFH (complement factor H; plus strand). Cytogenetic location: 1q31.3.
Variant type: single nucleotide variant.
Coding change: c.1117C>T on transcript NM_000186.4 (MANE Select); coding-DNA position 1117, C replaced by T.
Protein change: p.His373Tyr; replaces histidine 373 with tyrosine.
Molecular consequence: missense variant.
Genome position (GRCh38, 1-based): chr1:196,689,572, C>T. VCF-style: chr1-196689572-C-T. GRCh37 (hg19) VCF-style: chr1-196658702-C-T.
Other names: c.1117C>T, p.His373Tyr (NM_001014975.3); short protein forms H373Y.
Identifiers: ClinVar variation 1969662 (VCV001969662.4), dbSNP rs754477357, ClinGen allele CA1305243.